The following is an entry in ClinVar:

ClinVar aggregate classification (germline): Uncertain significance (1 of 4 stars; one submission).

gnomAD v4.1: 3 of 1,601,642 alleles (0.00019%); highest among the groups gnomAD compares: Admixed American, 0.0017%; no homozygotes.

Submission:

CeGaT Center for Human Genetics Tuebingen
Classification: Uncertain significance. Last evaluated: 2024-06-01. Review status: criteria provided, single submitter. Criteria: CeGaT Center For Human Genetics Tuebingen Variant Classification Criteria Version 2. Collection method: clinical testing. Allele origin: germline. Affected: yes. Observed: 1 variant allele.
Comment: PSTPIP1: PM2

NM_003978.5(PSTPIP1):c.430T>A (p.Tyr144Asn)

Gene: PSTPIP1 (proline-serine-threonine phosphatase interacting protein 1; plus strand). Cytogenetic location: 15q24.3.
Variant type: single nucleotide variant.
Coding change: c.430T>A on transcript NM_003978.5 (MANE Select); coding-DNA position 430, T replaced by A.
Protein change: p.Tyr144Asn; replaces tyrosine 144 with asparagine.
Molecular consequence: missense variant. On other transcripts: non-coding transcript variant (1).
Genome position (GRCh38, 1-based): chr15:77,028,566, T>A. VCF-style: chr15-77028566-T-A. GRCh37 (hg19) VCF-style: chr15-77320907-T-A.
Other names: c.430T>A, p.Tyr144Asn (NM_001321135.2, NM_001411086.1); c.403T>A, p.Tyr135Asn (NM_001321136.2); c.625T>A, p.Tyr209Asn (NM_001321137.1); short protein forms Y135N, Y144N, Y209N.
Identifiers: ClinVar variation 3251031 (VCV003251031.18), dbSNP rs377240256.